The following is an entry in ClinVar:

NM_001354930.2(RIPK1):c.1978G>A (p.Asp660Asn)

Gene: RIPK1 (receptor interacting serine/threonine kinase 1; plus strand). Cytogenetic location: 6p25.2.
Variant type: single nucleotide variant.
Coding change: c.1978G>A on transcript NM_001354930.2 (MANE Select); coding-DNA position 1978, G replaced by A.
Protein change: p.Asp660Asn; replaces aspartic acid 660 with asparagine.
Molecular consequence: missense variant.
Genome position (GRCh38, 1-based): chr6:3,113,301, G>A. VCF-style: chr6-3113301-G-A. GRCh37 (hg19) VCF-style: chr6-3113535-G-A.
Other names: c.1489G>A, p.Asp497Asn (NM_001317061.3, NM_001354932.2, NM_001354933.2 and 1 more transcripts); c.1840G>A, p.Asp614Asn (NM_001354931.2); c.1978G>A, p.Asp660Asn (NM_003804.6); short protein forms D497N, D614N, D660N.
Identifiers: ClinVar variation 3008670 (VCV003008670.3), dbSNP rs1323999651, ClinGen allele CA362579516.

ClinVar aggregate classification (germline): Uncertain significance (1 of 4 stars; one submission).

Allele frequency attached by ClinVar (database versions not stated): TOPMed below 0.00001.
gnomAD v4.1: 9 of 1,613,992 alleles (0.00056%); highest among the groups gnomAD compares: South Asian, 0.0011%; no homozygotes.

Submission:

Labcorp Genetics (formerly Invitae), Labcorp
Classification: Uncertain significance. Last evaluated: 2023-06-12. Review status: criteria provided, single submitter. Criteria: Invitae Variant Classification Sherloc (09022015). Collection method: clinical testing. Allele origin: germline.
Comment: This variant is not present in population databases (gnomAD no frequency). This sequence change replaces aspartic acid, which is acidic and polar, with asparagine, which is neutral and polar, at codon 660 of the RIPK1 protein (p.Asp660Asn). This variant has not been reported in the literature in individuals affected with RIPK1-related conditions. An algorithm developed to predict the effect of missense changes on protein structure and function (PolyPhen-2) suggests that this variant is likely to be disruptive. In summary, the available evidence is currently insufficient to determine the role of this variant in disease. Therefore, it has been classified as a Variant of Uncertain Significance.